The following is an entry in ClinVar:

ClinVar aggregate classification (germline): Uncertain significance (1 of 4 stars; one submission).

Conditions:
CHARGE syndrome (CHARGE). Also called: Hittner Hirsch Kreh syndrome; Coloboma, heart anomaly, choanal atresia, retardation, genital and ear anomalies; CHARGE association; Hall-Hittner syndrome; CHARGE ASSOCIATION--COLOBOMA, HEART ANOMALY, CHOANAL ATRESIA, RETARDATION, GENITAL AND EAR ANOMALIES. Identifiers: Orphanet 138, MedGen C0265354, MONDO:0008965.

Submission:

Labcorp Genetics (formerly Invitae), Labcorp
Classification: Uncertain significance for CHARGE syndrome. Last evaluated: 2020-06-13. Review status: criteria provided, single submitter. Criteria: Invitae Variant Classification Sherloc (09022015). Collection method: clinical testing. Allele origin: germline.
Comment: In summary, the available evidence is currently insufficient to determine the role of this variant in disease. Therefore, it has been classified as a Variant of Uncertain Significance. Algorithms developed to predict the effect of missense changes on protein structure and function are either unavailable or do not agree on the potential impact of this missense change (SIFT: "Deleterious"; PolyPhen-2: "Probably Damaging"; Align-GVGD: "Class C15"). This variant has not been reported in the literature in individuals with CHD7-related conditions. This variant is not present in population databases (ExAC no frequency). This sequence change replaces leucine with phenylalanine at codon 997 of the CHD7 protein (p.Leu997Phe). The leucine residue is highly conserved and there is a small physicochemical difference between leucine and phenylalanine.

NM_017780.4(CHD7):c.2991G>C (p.Leu997Phe)

Gene: CHD7 (chromodomain helicase DNA binding protein 7; plus strand). Cytogenetic location: 8q12.2.
Variant type: single nucleotide variant.
Coding change: c.2991G>C on transcript NM_017780.4 (MANE Select); coding-DNA position 2991, G replaced by C.
Protein change: p.Leu997Phe; replaces leucine 997 with phenylalanine.
Molecular consequence: missense variant. On other transcripts: intron variant (1).
Genome position (GRCh38, 1-based): chr8:60,822,536, G>C. VCF-style: chr8-60822536-G-C. GRCh37 (hg19) VCF-style: chr8-61735095-G-C.
Other names: c.1717-39693G>C (NM_001316690.1); short protein forms L997F.
Identifiers: ClinVar variation 1044692 (VCV001044692.8), dbSNP rs1804093530, ClinGen allele CA371309104.